The following is an entry in ClinVar:

NM_001012301.4(ARSI):c.1544T>G (p.Phe515Cys)

Gene: ARSI (arylsulfatase family member I; minus strand). Cytogenetic location: 5q32.
Variant type: single nucleotide variant.
Coding change: c.1544T>G on transcript NM_001012301.4 (MANE Select); coding-DNA position 1544, T replaced by G.
Protein change: p.Phe515Cys; replaces phenylalanine 515 with cysteine.
Molecular consequence: missense variant.
Genome position (GRCh38, 1-based): chr5:150,297,380, A>C on the plus strand (T>G on the coding strand, the complement: ARSI is on the minus strand). VCF-style: chr5-150297380-A-C. GRCh37 (hg19) VCF-style: chr5-149676943-A-C.
Other names: short protein forms F515C.
Identifiers: ClinVar variation 861880 (VCV000861880.8), dbSNP rs145878553, ClinGen allele CA3510057.

ClinVar aggregate classification (germline): Uncertain significance (1 of 4 stars; one submission).

Conditions:
Spastic paraplegia. Identifiers: MedGen C0037772, HP:0001258.

Allele frequency attached by ClinVar (database versions not stated): 1000 Genomes Project 30x 0.00016; 1000 Genomes Project 0.00020; gnomAD 0.00023 and 0.00027; TOPMed 0.00024; ESP Exome Variant Server 0.00038.
gnomAD v4.1: 420 of 1,611,048 alleles (0.026%); highest among the groups gnomAD compares: Non-Finnish European, 0.034%; no homozygotes.

Submission:

Labcorp Genetics (formerly Invitae), Labcorp
Classification: Uncertain significance for Spastic paraplegia. Last evaluated: 2026-01-12. Review status: criteria provided, single submitter. Criteria: Invitae Variant Classification Sherloc (09022015). Collection method: clinical testing. Allele origin: germline.
Comment: This sequence change replaces phenylalanine, which is neutral and non-polar, with cysteine, which is neutral and slightly polar, at codon 515 of the ARSI protein (p.Phe515Cys). This variant is present in population databases (rs145878553, gnomAD 0.05%), and has an allele count higher than expected for a pathogenic variant. This variant has not been reported in the literature in individuals affected with ARSI-related conditions. ClinVar contains an entry for this variant (Variation ID: 861880). An algorithm developed to predict the effect of missense changes on protein structure and function (PolyPhen-2) suggests that this variant is likely to be disruptive. In summary, the available evidence is currently insufficient to determine the role of this variant in disease. Therefore, it has been classified as a Variant of Uncertain Significance.